The following is an entry in ClinVar:

NM_001191057.4(PDE1C):c.41A>G (p.Asn14Ser)

Gene: PDE1C (phosphodiesterase 1C; minus strand). Cytogenetic location: 7p14.3.
Variant type: single nucleotide variant.
Coding change: c.41A>G on transcript NM_001191057.4 (MANE Select); coding-DNA position 41, A replaced by G.
Protein change: p.Asn14Ser; replaces asparagine 14 with serine.
Molecular consequence: missense variant. On other transcripts: intron variant (3).
Genome position (GRCh38, 1-based): chr7:32,070,353, T>C on the plus strand (A>G on the coding strand, the complement: PDE1C is on the minus strand). VCF-style: chr7-32070353-T-C. GRCh37 (hg19) VCF-style: chr7-32109965-T-C.
Other names: c.41A>G, p.Asn14Ser (NM_001191056.3, NM_001191059.4, NM_001322055.2 and 3 more transcripts); c.308+99432A>G (NM_001191058.4, NM_001322058.2); c.533+99432A>G (NM_001322059.2); short protein forms N14S.
Identifiers: ClinVar variation 4977341 (VCV004977341.1).

ClinVar aggregate classification (germline): Uncertain significance (1 of 4 stars; one submission).

Conditions:
PDE1C-related disorder. Also called: PDE1C-related condition.

gnomAD v4.1: 17 of 1,613,892 alleles (0.0011%); highest among the groups gnomAD compares: South Asian, 0.015%; no homozygotes.

Submission:

PreventionGenetics, part of Exact Sciences
Classification: Uncertain significance for PDE1C-related condition. Last evaluated: 2025-09-03. Review status: criteria provided, single submitter. Criteria: ACMG Guidelines, 2015. Collection method: clinical testing. Allele origin: germline.
Comment: The PDE1C c.41A>G variant is predicted to result in the amino acid substitution p.Asn14Ser. To our knowledge, this variant has not been reported in the literature. This variant is reported in 0.0098% of alleles in individuals of South Asian descent in gnomAD. At this time, the clinical significance of this variant is uncertain due to the absence of conclusive functional and genetic evidence.